The following is an entry in ClinVar:

ClinVar aggregate classification (germline): Likely benign. Review status: criteria provided, multiple submitters, no conflicts (2 of 4 stars). 3 submissions from 3 submitters: Likely benign (3). Last evaluated 2025-12-02.

Conditions:
Joubert syndrome 16 (JBTS16). Identifiers: Orphanet 2318, MedGen C3280906, MONDO:0013764, OMIM 614465.

Allele frequency attached by ClinVar (database versions not stated): gnomAD exomes 0.00005 and 0.00012; ExAC 0.00006; gnomAD 0.00012; TOPMed 0.00012; 1000 Genomes Project 30x 0.00016; 1000 Genomes Project 0.00020; ESP Exome Variant Server 0.00031.
gnomAD v4.1: 193 of 1,614,062 alleles (0.012%); highest among the groups gnomAD compares: African/African-American, 0.024%; no homozygotes.

Submissions (3):

Labcorp Genetics (formerly Invitae), Labcorp
Classification: Likely benign for Joubert syndrome 16. Last evaluated: 2025-12-02. Review status: criteria provided, single submitter. Criteria: Invitae Variant Classification Sherloc (09022015). Collection method: clinical testing. Allele origin: germline.

CeGaT Center for Human Genetics Tuebingen
Classification: Likely benign. Last evaluated: 2024-08-01. Review status: criteria provided, single submitter. Criteria: CeGaT Center For Human Genetics Tuebingen Variant Classification Criteria Version 2. Collection method: clinical testing. Allele origin: germline. Affected: yes. Observed: 1 variant allele.
Comment: TMEM138: BP4, BP7

Blueprint Genetics
Classification: Likely benign. Last evaluated: 2022-06-16. Review status: criteria provided, single submitter. Criteria: ACMG Guidelines, 2015. Collection method: clinical testing. Allele origin: germline.

NM_016464.5(TMEM138):c.414C>T (p.Ala138=)

Gene: TMEM138 (transmembrane protein 138; plus strand). Cytogenetic location: 11q12.2.
Variant type: single nucleotide variant.
Coding change: c.414C>T on transcript NM_016464.5 (MANE Select); coding-DNA position 414, C replaced by T.
Protein change: p.Ala138=; no amino-acid change (alanine 138 retained).
Molecular consequence: synonymous variant. On other transcripts: non-coding transcript variant (1).
Genome position (GRCh38, 1-based): chr11:61,368,634, C>T. VCF-style: chr11-61368634-C-T. GRCh37 (hg19) VCF-style: chr11-61136106-C-T.
Other names: c.240C>T, p.Ala80= (NM_001330281.2).
Identifiers: ClinVar variation 1638765 (VCV001638765.25), dbSNP rs151094420, ClinGen allele CA6034652.
Genomic context (GRCh38, chr11:61,368,634, plus strand): 5'-TCTCTTCTGCTTCCTCCCCACAGCAGCAGTGTTGTACTGCTACTTCTATAAACGGACAGC[C>T]GTAAGACTAGGCGATCCTCACTTCTACCAGGACTCTTTGTGGCTGCGCAAGGAGTTCATG-3'
Protein context (NP_057548.1, residues 128-148): VLYCYFYKRT[Ala138=]VRLGDPHFYQ